The following is an entry in ClinVar:

NM_001148.6(ANK2):c.11134G>A (p.Val3712Ile)

Gene: ANK2 (ankyrin 2; plus strand). Cytogenetic location: 4q26.
Variant type: single nucleotide variant.
Coding change: c.11134G>A on transcript NM_001148.6 (MANE Select); coding-DNA position 11134, G replaced by A.
Protein change: p.Val3712Ile; replaces valine 3712 with isoleucine.
Molecular consequence: missense variant.
Genome position (GRCh38, 1-based): chr4:113,367,667, G>A. VCF-style: chr4-113367667-G-A. GRCh37 (hg19) VCF-style: chr4-114288823-G-A.
Other names: p.V3712I:GTC>ATC; c.4852G>A, p.Val1618Ile (NM_001127493.3); c.4891G>A, p.Val1631Ile (NM_001354225.2); c.4780G>A, p.Val1594Ile (NM_001354228.2, NM_001354258.2); c.4858G>A, p.Val1620Ile (NM_001354230.2); c.4921G>A, p.Val1641Ile (NM_001354231.2, NM_001354242.2); c.4915G>A, p.Val1639Ile (NM_001354232.2); c.4876G>A, p.Val1626Ile (NM_001354235.2, NM_001354246.2, NM_001354265.2); and 36 more; short protein forms V1618I, V3712I, V1627I, V1499I, V1540I, V1549I, V1561I, V1572I.
Identifiers: ClinVar variation 190578 (VCV000190578.16), dbSNP rs146476345, ClinGen allele CA300943.
Genomic context (GRCh38, chr4:113,367,667, plus strand): 5'-AAGCAGAAAGAGGAGCAAGCTGTTTCTAAAGAAAGTGAGACCTGCGATCACCCTCCTATC[G>A]TCTCAGAGGAAGACATTTCTGTTGGTTATTCCACTTTTCAGGATGGCGTCCCCAAAACTG-3'
Protein context (NP_001139.3, residues 3702-3722): ESETCDHPPI[Val3712Ile]SEEDISVGYS

ClinVar aggregate classification (germline): Conflicting classifications of pathogenicity. Review status: criteria provided, conflicting classifications (1 of 4 stars). 6 submissions from 6 submitters: Uncertain significance (5); Likely benign (1). Last evaluated 2025-10-29.

Conditions:
Cardiovascular phenotype. Identifiers: MedGen CN230736.
Long QT syndrome (LQTS). Identifiers: MedGen C0023976, MeSH D008133, MONDO:0002442. Disease mechanism: loss of function. Inheritance: Various modes of inheritance.
Cardiac arrhythmia, ankyrin-B-related. Also called: ANKYRIN-B SYNDROME. Identifiers: Orphanet 101016, Orphanet 768, MedGen C1970119, MONDO:0010958, OMIM 600919.

Allele frequency attached by ClinVar (database versions not stated): gnomAD 0.00002 and 0.00003; ExAC 0.00004; gnomAD exomes 0.00004 and 0.00006; TOPMed 0.00005; ESP Exome Variant Server 0.00008.
gnomAD v4.1: 86 of 1,613,708 alleles (0.0053%); highest among the groups gnomAD compares: Middle Eastern, 0.016%; no homozygotes.

Submissions (6):

Labcorp Genetics (formerly Invitae), Labcorp
Classification: Uncertain significance for Long QT syndrome. Last evaluated: 2025-10-29. Review status: criteria provided, single submitter. Criteria: Invitae Variant Classification Sherloc (09022015). Collection method: clinical testing. Allele origin: germline.
Comment: This sequence change replaces valine, which is neutral and non-polar, with isoleucine, which is neutral and non-polar, at codon 3712 of the ANK2 protein (p.Val3712Ile). This variant is present in population databases (rs146476345, gnomAD 0.009%). This variant has not been reported in the literature in individuals affected with ANK2-related conditions. ClinVar contains an entry for this variant (Variation ID: 190578). Invitae Evidence Modeling of protein sequence and biophysical properties (such as structural, functional, and spatial information, amino acid conservation, physicochemical variation, residue mobility, and thermodynamic stability) indicates that this missense variant is not expected to disrupt ANK2 protein function with a negative predictive value of 80%. In summary, the available evidence is currently insufficient to determine the role of this variant in disease. Therefore, it has been classified as a Variant of Uncertain Significance.

Blueprint Genetics
Classification: Likely benign. Last evaluated: 2024-05-16. Review status: criteria provided, single submitter. Criteria: ACMG Guidelines, 2015. Collection method: clinical testing. Allele origin: germline.

GeneDx
Classification: Uncertain significance. Last evaluated: 2023-09-14. Review status: criteria provided, single submitter. Criteria: GeneDx Variant Classification Process June 2021. Collection method: clinical testing. Allele origin: germline. Affected: yes.
Comment: Has not been previously published as pathogenic or benign to our knowledge; In silico analysis supports that this missense variant does not alter protein structure/function

Ambry Genetics
Classification: Uncertain significance for Cardiovascular phenotype. Last evaluated: 2021-09-14. Review status: criteria provided, single submitter. Criteria: Ambry Variant Classification Scheme 2023. Collection method: clinical testing. Allele origin: germline.
Comment: The p.V3712I variant (also known as c.11134G>A), located in coding exon 42 of the ANK2 gene, results from a G to A substitution at nucleotide position 11134. The valine at codon 3712 is replaced by isoleucine, an amino acid with highly similar properties. This amino acid position is highly conserved in available vertebrate species. In addition, the in silico prediction for this alteration is inconclusive. Since supporting evidence is limited at this time, the clinical significance of this alteration remains unclear.

Fulgent Genetics
Classification: Uncertain significance for Cardiac arrhythmia, ankyrin-B-related. Last evaluated: 2021-09-13. Review status: criteria provided, single submitter. Criteria: ACMG Guidelines, 2015. Collection method: clinical testing. Allele origin: unknown.

Stanford Center for Inherited Cardiovascular Disease, Stanford University
Classification: Uncertain significance. Last evaluated: 2014-12-02. Review status: criteria provided, single submitter. Criteria: ACMG Guidelines, 2015. Collection method: provider interpretation. Allele origin: germline.